The following is an entry in ClinVar:

NM_002470.4(MYH3):c.121G>A (p.Val41Met)

Gene: MYH3 (myosin heavy chain 3; minus strand). Cytogenetic location: 17p13.1.
Variant type: single nucleotide variant.
Coding change: c.121G>A on transcript NM_002470.4 (MANE Select); coding-DNA position 121, G replaced by A.
Protein change: p.Val41Met; replaces valine 41 with methionine.
Molecular consequence: missense variant.
Genome position (GRCh38, 1-based): chr17:10,654,944, C>T on the plus strand (G>A on the coding strand, the complement: MYH3 is on the minus strand). VCF-style: chr17-10654944-C-T. GRCh37 (hg19) VCF-style: chr17-10558261-C-T.
Other names: short protein forms V41M.
Identifiers: ClinVar variation 2782256 (VCV002782256.3), dbSNP rs1308437307, ClinGen allele CA398118934.

ClinVar aggregate classification (germline): Uncertain significance (1 of 4 stars; one submission).

Allele frequency attached by ClinVar (database versions not stated): gnomAD exomes below 0.00001; gnomAD 0.00001; TOPMed 0.00001.

Submission:

Labcorp Genetics (formerly Invitae), Labcorp
Classification: Uncertain significance. Last evaluated: 2024-01-18. Review status: criteria provided, single submitter. Criteria: Invitae Variant Classification Sherloc (09022015). Collection method: clinical testing. Allele origin: germline.
Comment: This sequence change replaces valine, which is neutral and non-polar, with methionine, which is neutral and non-polar, at codon 41 of the MYH3 protein (p.Val41Met). This variant is not present in population databases (gnomAD no frequency). This variant has not been reported in the literature in individuals affected with MYH3-related conditions. Advanced modeling of protein sequence and biophysical properties (such as structural, functional, and spatial information, amino acid conservation, physicochemical variation, residue mobility, and thermodynamic stability) performed at Invitae indicates that this missense variant is not expected to disrupt MYH3 protein function with a negative predictive value of 95%. In summary, the available evidence is currently insufficient to determine the role of this variant in disease. Therefore, it has been classified as a Variant of Uncertain Significance.